The following is an entry in ClinVar:

NM_000057.4(BLM):c.4198G>A (p.Ala1400Thr)

Gene: BLM (BLM RecQ like helicase; plus strand). Cytogenetic location: 15q26.1.
Variant type: single nucleotide variant.
Coding change: c.4198G>A on transcript NM_000057.4 (MANE Select); coding-DNA position 4198, G replaced by A.
Protein change: p.Ala1400Thr; replaces alanine 1400 with threonine.
Molecular consequence: missense variant.
Genome position (GRCh38, 1-based): chr15:90,815,223, G>A. VCF-style: chr15-90815223-G-A. GRCh37 (hg19) VCF-style: chr15-91358453-G-A.
Other names: c.4198G>A, p.Ala1400Thr (NM_001287246.2); c.3805G>A, p.Ala1269Thr (NM_001287247.2); c.3073G>A, p.Ala1025Thr (NM_001287248.2); short protein forms A1025T, A1269T, A1400T.
Identifiers: ClinVar variation 1051554 (VCV001051554.14), dbSNP rs370588118, ClinGen allele CA7739211.

ClinVar aggregate classification (germline): Uncertain significance. Review status: criteria provided, multiple submitters, no conflicts (2 of 4 stars). 2 submissions from 2 submitters: Uncertain significance (2). Last evaluated 2024-11-24.

Conditions:
Hereditary cancer-predisposing syndrome. Also called: Tumor predisposition; Hereditary neoplastic syndrome; Hereditary Cancer Syndrome; Neoplastic Syndromes, Hereditary. Identifiers: Orphanet 140162, MedGen C0027672, MeSH D009386, MONDO:0015356.
Bloom syndrome (BLM). Also called: Bloom-Torre-Machacek syndrome. Identifiers: Orphanet 125, MedGen C0005859, MONDO:0008876, OMIM 210900.

Allele frequency attached by ClinVar (database versions not stated): gnomAD exomes below 0.00001; ExAC 0.00001; gnomAD 0.00001; TOPMed 0.00001; ESP Exome Variant Server 0.00008.
gnomAD v4.1: 2 of 1,613,906 alleles (0.00012%); highest among the groups gnomAD compares: Non-Finnish European, 0.00017%; no homozygotes.

Submissions (2):

Labcorp Genetics (formerly Invitae), Labcorp
Classification: Uncertain significance for Bloom syndrome. Last evaluated: 2024-11-24. Review status: criteria provided, single submitter. Criteria: Invitae Variant Classification Sherloc (09022015). Collection method: clinical testing. Allele origin: germline.
Comment: This sequence change replaces alanine, which is neutral and non-polar, with threonine, which is neutral and polar, at codon 1400 of the BLM protein (p.Ala1400Thr). This variant is present in population databases (rs370588118, gnomAD 0.0009%). This variant has not been reported in the literature in individuals affected with BLM-related conditions. ClinVar contains an entry for this variant (Variation ID: 1051554). An algorithm developed to predict the effect of missense changes on protein structure and function (PolyPhen-2) suggests that this variant is likely to be disruptive. In summary, the available evidence is currently insufficient to determine the role of this variant in disease. Therefore, it has been classified as a Variant of Uncertain Significance.

Ambry Genetics
Classification: Uncertain significance for Hereditary cancer-predisposing syndrome. Last evaluated: 2024-07-31. Review status: criteria provided, single submitter. Criteria: Ambry Variant Classification Scheme 2023. Collection method: clinical testing. Allele origin: germline.
Comment: The p.A1400T variant (also known as c.4198G>A), located in coding exon 21 of the BLM gene, results from a G to A substitution at nucleotide position 4198. The alanine at codon 1400 is replaced by threonine, an amino acid with similar properties. This amino acid position is conserved. In addition, the in silico prediction for this alteration is inconclusive. Since supporting evidence is limited at this time, the clinical significance of this alteration remains unclear.